The following is an entry in ClinVar:

ClinVar aggregate classification (germline): Likely benign (1 of 4 stars; one submission).

Submission:

CeGaT Center for Human Genetics Tuebingen
Classification: Likely benign. Last evaluated: 2026-07-01. Review status: criteria provided, single submitter. Criteria: CeGaT Center For Human Genetics Tuebingen Variant Classification Criteria Version 2. Collection method: clinical testing. Allele origin: germline. Affected: yes. Observed: 3 variant alleles.
Comment: AHNAK2: BP4, BP7

NM_138420.4(AHNAK2):c.4188C>T (p.Leu1396=)

Gene: AHNAK2 (AHNAK nucleoprotein 2; minus strand). Cytogenetic location: 14q32.33.
Variant type: single nucleotide variant.
Coding change: c.4188C>T on transcript NM_138420.4 (MANE Select); coding-DNA position 4188, C replaced by T.
Protein change: p.Leu1396=; no amino-acid change (leucine 1396 retained).
Molecular consequence: synonymous variant.
Genome position (GRCh38, 1-based): chr14:104,951,263, G>A on the plus strand (C>T on the coding strand, the complement: AHNAK2 is on the minus strand). VCF-style: chr14-104951263-G-A. GRCh37 (hg19) VCF-style: chr14-105417600-G-A.
Other names: c.3888C>T, p.Leu1296= (NM_001350929.2).
Identifiers: ClinVar variation 3388130 (VCV003388130.14).